The following is an entry in ClinVar:

ClinVar aggregate classification (germline): Likely pathogenic (1 of 4 stars; one submission).

Conditions:
Ichthyosis linearis circumflexa. Identifiers: MedGen C0265962, MONDO:0043106, HP:0025810.

Submission:

Labcorp Genetics (formerly Invitae), Labcorp
Classification: Likely pathogenic for Ichthyosis linearis circumflexa. Last evaluated: 2023-08-14. Review status: criteria provided, single submitter. Criteria: Invitae Variant Classification Sherloc (09022015). Collection method: clinical testing. Allele origin: germline.
Comment: This sequence change falls in intron 25 of the SPINK5 gene. It does not directly change the encoded amino acid sequence of the SPINK5 protein. It affects a nucleotide within the consensus splice site. This variant is not present in population databases (gnomAD no frequency). This variant has been observed in individuals with Netherton syndrome (PMID: 20107740; Invitae). It has also been observed to segregate with disease in related individuals. This variant is also known as c.2441+3delGAGT. ClinVar contains an entry for this variant (Variation ID: 938195). Variants that disrupt the consensus splice site are a relatively common cause of aberrant splicing (PMID: 17576681, 9536098). Algorithms developed to predict the effect of sequence changes on RNA splicing suggest that this variant may disrupt the consensus splice site. In summary, the currently available evidence indicates that the variant is pathogenic, but additional data are needed to prove that conclusively. Therefore, this variant has been classified as Likely Pathogenic.

Literature cited by the submitters: PubMed 20107740; PubMed 17576681; PubMed 9536098.

NM_006846.4(SPINK5):c.2441+3_2441+6del

Gene: SPINK5 (serine peptidase inhibitor Kazal type 5; plus strand). Cytogenetic location: 5q32.
Variant type: Deletion.
Coding change: c.2441+3_2441+6del on transcript NM_006846.4 (MANE Select); bases 3 to 6 of the intron after coding-DNA position 2441, 4 bases deleted (GAGT; older notation c.2441+3_2441+6delGAGT).
Molecular consequence: splice donor variant.
Genome position (GRCh38, 1-based): chr5:148,120,139-148,120,142, GAGT deleted; deleting any 4 consecutive bases within chr5:148,120,137-148,120,142 gives the same sequence; the c. name uses the placement nearest the transcript's 3' end. VCF-style (leftmost placement, unchanged base first): chr5-148120136-TGTGA-T. GRCh37 (hg19) VCF-style: chr5-147499699-TGTGA-T.
Other names: c.2441+3_2441+6del (NM_001127698.2, NM_001127699.2).
Identifiers: ClinVar variation 938195 (VCV000938195.8), dbSNP rs1221030255, ClinGen allele CA805384458.
Genomic context (GRCh38, chr5:148,120,136, plus strand): 5'-CTGTCCGGGGTCCAGATGGCAAGACACATGGCAATAAGTGTACTATGTGTAAGGAAAAAC[TGTGA>T]GTATGTTTCAAAATGAGCTTTTGACTGTGAGTCTTAAAGTACAATAATCATTTCTTACCA-3'